The following is an entry in ClinVar:

NM_004336.5(BUB1):c.350A>G (p.His117Arg)

Gene: BUB1 (BUB1 mitotic checkpoint serine/threonine kinase; minus strand). Cytogenetic location: 2q13.
Variant type: single nucleotide variant.
Coding change: c.350A>G on transcript NM_004336.5 (MANE Select); coding-DNA position 350, A replaced by G.
Protein change: p.His117Arg; replaces histidine 117 with arginine.
Molecular consequence: missense variant.
Genome position (GRCh38, 1-based): chr2:110,672,733, T>C on the plus strand (A>G on the coding strand, the complement: BUB1 is on the minus strand). VCF-style: chr2-110672733-T-C. GRCh37 (hg19) VCF-style: chr2-111430310-T-C.
Other names: c.290A>G, p.His97Arg (NM_001278616.2); c.350A>G, p.His117Arg (NM_001278617.2); short protein forms H117R, H97R.
Identifiers: ClinVar variation 3224093 (VCV003224093.1), dbSNP rs766719506, ClinGen allele CA1828383.
Genomic context (GRCh38, chr2:110,672,733, plus strand): 5'-TGCAGGAACTCTCTGGGTTCAGCCTGGTTTTGAATTCCTCTCTGAAGGACAGCACTGGCA[T>C]GCTGCAGCTCTCCTTGGGCTTCCAGATGCCCCGCCCAGGCAATGTACAGAGGGGATGACA-3'
Protein context (NP_004327.1, residues 107-127): GHLEAQGELQ[His117Arg]ASAVLQRGIQ

ClinVar aggregate classification (germline): Uncertain significance (1 of 4 stars; one submission).

Allele frequency attached by ClinVar (database versions not stated): ExAC 0.00001.
gnomAD v4.1: 2 of 1,614,126 alleles (0.00012%); highest among the groups gnomAD compares: Admixed American, 0.0017%; no homozygotes.

Submission:

Ambry Genetics
Classification: Uncertain significance. Last evaluated: 2024-02-02. Review status: criteria provided, single submitter. Criteria: Ambry Variant Classification Scheme 2023. Collection method: clinical testing. Allele origin: germline.
Comment: The p.H117R variant (also known as c.350A>G), located in coding exon 4 of the BUB1 gene, results from an A to G substitution at nucleotide position 350. The histidine at codon 117 is replaced by arginine, an amino acid with highly similar properties. This amino acid position is conserved. In addition, this alteration is predicted to be tolerated by in silico analysis. Based on the available evidence, the clinical significance of this alteration remains unclear.